The following is an entry in ClinVar:

ClinVar aggregate classification (germline): Uncertain significance (1 of 4 stars; one submission).

Submission:

GeneDx
Classification: Uncertain significance. Last evaluated: 2025-06-01. Review status: criteria provided, single submitter. Criteria: GeneDx Variant Classification Process June 2021. Collection method: clinical testing. Allele origin: germline.
Comment: Not observed at significant frequency in large population cohorts (gnomAD); In silico analysis supports that this missense variant has a deleterious effect on protein structure/function; Has not been previously published as pathogenic or benign to our knowledge

NM_005120.3(MED12):c.4799G>T (p.Ser1600Ile)

Gene: MED12 (mediator complex subunit 12; plus strand). Cytogenetic location: Xq13.1.
Variant type: single nucleotide variant.
Coding change: c.4799G>T on transcript NM_005120.3 (MANE Select); coding-DNA position 4799, G replaced by T.
Protein change: p.Ser1600Ile; replaces serine 1600 with isoleucine.
Molecular consequence: missense variant.
Genome position (GRCh38, 1-based): chrX:71,134,784, G>T. VCF-style: chrX-71134784-G-T. GRCh37 (hg19) VCF-style: chrX-70354634-G-T.
Other names: short protein forms S1600I.
Identifiers: ClinVar variation 3342629 (VCV003342629.2).